The following is an entry in ClinVar:

NM_002386.4(MC1R):c.651C>A (p.His217Gln)

Gene: MC1R (melanocortin 1 receptor; plus strand). Cytogenetic location: 16q24.3.
Variant type: single nucleotide variant.
Coding change: c.651C>A on transcript NM_002386.4 (MANE Select); coding-DNA position 651, C replaced by A.
Protein change: p.His217Gln; replaces histidine 217 with glutamine.
Molecular consequence: missense variant.
Genome position (GRCh38, 1-based): chr16:89,919,909, C>A. VCF-style: chr16-89919909-C-A. GRCh37 (hg19) VCF-style: chr16-89986317-C-A.
Other names: short protein forms H217Q.
Identifiers: ClinVar variation 3871065 (VCV003871065.1).
Genomic context (GRCh38, chr16:89,919,909, plus strand): 5'-GGCTATGCTGGTGCTCATGGCCGTGCTGTACGTCCACATGCTGGCCCGGGCCTGCCAGCA[C>A]GCCCAGGGCATCGCCCGGCTCCACAAGAGGCAGCGCCCGGTCCACCAGGGCTTTGGCCTT-3'
Protein context (NP_002377.4, residues 207-227): YVHMLARACQ[His217Gln]AQGIARLHKR

ClinVar aggregate classification (germline): Uncertain significance (1 of 4 stars; one submission).

gnomAD v4.1: 5 of 1,608,066 alleles (0.00031%); highest among the groups gnomAD compares: South Asian, 0.0022%; no homozygotes.

Submission:

Ambry Genetics
Classification: Uncertain significance. Last evaluated: 2024-12-17. Review status: criteria provided, single submitter. Criteria: Ambry Variant Classification Scheme 2023. Collection method: clinical testing. Allele origin: germline.
Comment: The p.H217Q variant (also known as c.651C>A), located in coding exon 1 of the MC1R gene, results from a C to A substitution at nucleotide position 651. The histidine at codon 217 is replaced by glutamine, an amino acid with highly similar properties. This amino acid position is conserved. In addition, this alteration is predicted to be tolerated by in silico analysis. Based on the available evidence, the clinical significance of this variant remains unclear.